The following is an entry in ClinVar:

ClinVar aggregate classification (germline): Benign. Review status: criteria provided, multiple submitters, no conflicts (2 of 4 stars). 3 submissions from 3 submitters: Benign (2). 1 of the submissions does not count toward it. Last evaluated 2026-01-28.

Conditions:
ROGDI-related disorder. Also called: ROGDI-related condition.
Amelocerebrohypohidrotic syndrome (KTZS). Also called: KOHLSCHUTTER SYNDROME; Kohlschutter's syndrome; EPILEPSY AND YELLOW TEETH; EPILEPSY, DEMENTIA, AND AMELOGENESIS IMPERFECTA. Identifiers: Orphanet 1946, MedGen C0406740, MONDO:0009185, OMIM 226750.

Allele frequency attached by ClinVar (database versions not stated): gnomAD 0.00001 and 0.00034; TOPMed 0.00008; gnomAD exomes 0.00071 and 0.00138; ExAC 0.00162; 1000 Genomes Project 30x 0.00172; 1000 Genomes Project 0.00220.
gnomAD v4.1: 1,095 of 1,613,086 alleles (0.068%); highest among the groups gnomAD compares: South Asian, 1.1%; 18 homozygotes.

Submissions (3):

Labcorp Genetics (formerly Invitae), Labcorp
Classification: Benign for Amelocerebrohypohidrotic syndrome. Last evaluated: 2026-01-28. Review status: criteria provided, single submitter. Criteria: Invitae Variant Classification Sherloc (09022015). Collection method: clinical testing. Allele origin: germline.

CeGaT Center for Human Genetics Tuebingen
Classification: Benign. Last evaluated: 2024-07-01. Review status: criteria provided, single submitter. Criteria: CeGaT Center For Human Genetics Tuebingen Variant Classification Criteria Version 2. Collection method: clinical testing. Allele origin: germline. Affected: yes. Observed: 4 variant alleles.
Comment: ROGDI: BP4, BP7, BS1, BS2

PreventionGenetics, part of Exact Sciences
Classification: Benign for ROGDI-related condition. Last evaluated: 2019-07-02. Review status: no assertion criteria provided. Collection method: clinical testing. Allele origin: germline. Not counted in ClinVar's aggregate classification.
Comment: This variant is classified as benign based on ACMG/AMP sequence variant interpretation guidelines (Richards et al. 2015 PMID: 25741868, with internal and published modifications).

NM_024589.3(ROGDI):c.417C>T (p.Gly139=)

Gene: ROGDI (rogdi atypical leucine zipper; minus strand). Cytogenetic location: 16p13.3.
Variant type: single nucleotide variant.
Coding change: c.417C>T on transcript NM_024589.3 (MANE Select); coding-DNA position 417, C replaced by T.
Protein change: p.Gly139=; no amino-acid change (glycine 139 retained).
Molecular consequence: synonymous variant. On other transcripts: non-coding transcript variant (1).
Genome position (GRCh38, 1-based): chr16:4,799,701, G>A on the plus strand (C>T on the coding strand, the complement: ROGDI is on the minus strand). VCF-style: chr16-4799701-G-A. GRCh37 (hg19) VCF-style: chr16-4849702-G-A.
Identifiers: ClinVar variation 461611 (VCV000461611.36), dbSNP rs375517608, ClinGen allele CA7882746.
Genomic context (GRCh38, chr16:4,799,701, plus strand): 5'-AGAACGTGGGACTAGGCCCAGGAGTCAGGCCCGGGGGCAGCTCACCTTGAGGACCTCAGC[G>A]CCCGTCTTGAACTGGTAGCTCTGGTCCCGGCTGGTAAGCAGGTAAATGGCTTGGCTCACA-3'
Protein context (NP_078865.1, residues 129-149): SRDQSYQFKT[Gly139=]AEVLKLMDAV